The following is an entry in ClinVar:

ClinVar aggregate classification (germline): Conflicting classifications of pathogenicity. Review status: criteria provided, conflicting classifications (1 of 4 stars). 6 submissions from 6 submitters: Uncertain significance (4); Likely benign (1). 1 of the submissions does not count toward it. Last evaluated 2026-08-11.

Conditions:
Retinitis pigmentosa (RP). Identifiers: Orphanet 791, MedGen C0035334, MeSH D012174, MONDO:0019200, OMIM 268000. Inheritance: Autosomal dominant, autosomal recessive and X linked inheritance.
RP1-related disorder. Also called: RP1-related condition.
Retinal dystrophy. Also called: Inherited retinal dystrophy. Identifiers: Orphanet 71862, MedGen C0854723, MeSH D058499, MONDO:0019118, HP:0000556.

Allele frequency attached by ClinVar (database versions not stated): ESP Exome Variant Server 0.00015; gnomAD 0.00015 and 0.00017; 1000 Genomes Project 30x 0.00016; gnomAD exomes 0.00016; ExAC 0.00018; 1000 Genomes Project 0.00020; TOPMed 0.00024.
gnomAD v4.1: 281 of 1,613,120 alleles (0.017%); highest among the groups gnomAD compares: Middle Eastern, 0.15%; no homozygotes.

Submissions (6):

PreventionGenetics, part of Exact Sciences
Classification: Uncertain significance for RP1-related condition. Last evaluated: 2026-08-11. Review status: criteria provided, single submitter. Criteria: ACMG Guidelines, 2015. Collection method: clinical testing. Allele origin: germline.
Comment: The RP1 c.2386G>A variant is predicted to result in the amino acid substitution p.Gly796Ser. This variant has been reported in the heterozygous state in an individual with retinitis pigmentosa; however, there was no second RP1 variant detected and a heterozygous nonsense variant in EYS was also reported (Kocaaga et al. 2023. PubMed ID: 37222315). This variant has also been reported in the heterozygous state in an individual with maculopathy (Abou-Jaoude et al. 2021. PubMed ID: 33471910). This variant is present in 0.027% of alleles in individuals of European (Non-Finnish) descent in gnomAD. At this time, the clinical significance of this variant is uncertain due to the absence of conclusive functional and genetic evidence.

Labcorp Genetics (formerly Invitae), Labcorp
Classification: Uncertain significance. Last evaluated: 2025-10-29. Review status: criteria provided, single submitter. Criteria: Invitae Variant Classification Sherloc (09022015). Collection method: clinical testing. Allele origin: germline.
Comment: This sequence change replaces glycine, which is neutral and non-polar, with serine, which is neutral and polar, at codon 796 of the RP1 protein (p.Gly796Ser). This variant is present in population databases (rs202031905, gnomAD 0.03%). This variant has not been reported in the literature in individuals affected with RP1-related conditions. ClinVar contains an entry for this variant (Variation ID: 363283). An algorithm developed to predict the effect of missense changes on protein structure and function outputs the following: PolyPhen-2: "Benign". The serine amino acid residue is found in multiple mammalian species, which suggests that this missense change does not adversely affect protein function. In summary, the available evidence is currently insufficient to determine the role of this variant in disease. Therefore, it has been classified as a Variant of Uncertain Significance.

Blueprint Genetics
Classification: Likely benign. Last evaluated: 2024-10-17. Review status: criteria provided, single submitter. Criteria: ACMG Guidelines, 2015. Collection method: clinical testing. Allele origin: germline.

Illumina Laboratory Services, Illumina
Classification: Uncertain significance for Retinitis pigmentosa. Last evaluated: 2018-01-13. Review status: criteria provided, single submitter. Criteria: ICSL Variant Classification Criteria 13 December 2019. Collection method: clinical testing. Allele origin: germline.

Breakthrough Genomics
Classification: Uncertain significance. Review status: criteria provided, single submitter. Criteria: ACMG Guidelines, 2015. Collection method: not provided. Allele origin: germline. Inheritance: Autosomal recessive inheritance. Affected: yes.

Institute of Human Genetics, Univ. Regensburg, Univ. Regensburg
Classification: Uncertain significance for Retinal dystrophy. Last evaluated: 2023-01-01. Review status: no assertion criteria provided. Criteria: ACMG Guidelines, 2015. Collection method: clinical testing. Allele origin: germline. Affected: yes. Not counted in ClinVar's aggregate classification.

NM_006269.2(RP1):c.2386G>A (p.Gly796Ser)

Gene: RP1 (RP1 axonemal microtubule associated; plus strand). Cytogenetic location: 8q12.1.
Variant type: single nucleotide variant.
Coding change: c.2386G>A on transcript NM_006269.2 (MANE Select); coding-DNA position 2386, G replaced by A.
Protein change: p.Gly796Ser; replaces glycine 796 with serine.
Molecular consequence: missense variant.
Genome position (GRCh38, 1-based): chr8:54,626,268, G>A. VCF-style: chr8-54626268-G-A. GRCh37 (hg19) VCF-style: chr8-55538828-G-A.
Other names: short protein forms G796S.
Identifiers: ClinVar variation 363283 (VCV000363283.16), dbSNP rs202031905, ClinGen allele CA4751522.
Genomic context (GRCh38, chr8:54,626,268, plus strand): 5'-AAAAGAAAATCTAGATCACTAAATAAAATAAGCTTAGGAGCACCTAAAAAAAGAGAAATC[G>A]GTCAAAGAGATAAAGTGTTTCCTCACAATGAATCTAAATATTGCAAAAGTACTTTTGAAA-3'
Protein context (NP_006260.1, residues 786-806): SLGAPKKREI[Gly796Ser]QRDKVFPHNE